The following is an entry in ClinVar:

NM_015338.6(ASXL1):c.828A>C (p.Leu276Phe)

Gene: ASXL1 (ASXL transcriptional regulator 1; plus strand). Cytogenetic location: 20q11.21.
Variant type: single nucleotide variant.
Coding change: c.828A>C on transcript NM_015338.6 (MANE Select); coding-DNA position 828, A replaced by C.
Protein change: p.Leu276Phe; replaces leucine 276 with phenylalanine.
Molecular consequence: missense variant.
Genome position (GRCh38, 1-based): chr20:32,431,430, A>C. VCF-style: chr20-32431430-A-C. GRCh37 (hg19) VCF-style: chr20-31019233-A-C.
Other names: c.645A>C, p.Leu215Phe (NM_001363734.1); short protein forms L215F, L276F.
Identifiers: ClinVar variation 3956895 (VCV003956895.1).

ClinVar aggregate classification (germline): Uncertain significance (1 of 4 stars; one submission).

Conditions:
Inborn genetic diseases. Identifiers: MedGen C0950123, MeSH D030342.

gnomAD v4.1: 1 of 1,614,160 alleles (0.000062%); highest among the groups gnomAD compares: Non-Finnish European, 0.000085%; no homozygotes.

Submission:

Ambry Genetics
Classification: Uncertain significance for Inborn genetic diseases. Last evaluated: 2025-05-11. Review status: criteria provided, single submitter. Criteria: Ambry Variant Classification Scheme 2023. Collection method: clinical testing. Allele origin: germline.
Comment: The p.L276F variant (also known as c.828A>C), located in coding exon 9 of the ASXL1 gene, results from an A to C substitution at nucleotide position 828. The leucine at codon 276 is replaced by phenylalanine, an amino acid with highly similar properties. This amino acid position is conserved. In addition, this alteration is predicted to be tolerated by in silico analysis. Based on the available evidence, the clinical significance of this variant remains unclear.